The following is an entry in ClinVar:

ClinVar aggregate classification (germline): Benign (0 of 4 stars; one submission).

Conditions:
CSMD3-related disorder. Also called: CSMD3-related condition.

Allele frequency attached by ClinVar (database versions not stated): gnomAD exomes 0.56955; ExAC 0.61481; gnomAD 0.66693; ESP Exome Variant Server 0.66777; TOPMed 0.68536; 1000 Genomes Project 0.71226; 1000 Genomes Project 30x 0.71596.
gnomAD v4.1: 911,409 of 1,569,996 alleles (58%); highest among the groups gnomAD compares: African/African-American, 90%; 271,423 homozygotes.

Submission:

PreventionGenetics, part of Exact Sciences
Classification: Benign for CSMD3-related condition. Last evaluated: 2019-10-17. Review status: no assertion criteria provided. Collection method: clinical testing. Allele origin: germline.
Comment: This variant is classified as benign based on ACMG/AMP sequence variant interpretation guidelines (Richards et al. 2015 PMID: 25741868, with internal and published modifications).

NM_198123.2(CSMD3):c.10861A>C (p.Asn3621His)

Gene: CSMD3 (CUB and Sushi multiple domains 3; minus strand). Cytogenetic location: 8q23.3.
Variant type: single nucleotide variant.
Coding change: c.10861A>C on transcript NM_198123.2 (MANE Select); coding-DNA position 10861, A replaced by C.
Protein change: p.Asn3621His; replaces asparagine 3621 with histidine.
Molecular consequence: missense variant.
Genome position (GRCh38, 1-based): chr8:112,228,859, T>G on the plus strand (A>C on the coding strand, the complement: CSMD3 is on the minus strand). VCF-style: chr8-112228859-T-G. GRCh37 (hg19) VCF-style: chr8-113241088-T-G.
Other names: c.10261A>C, p.Asn3421His (NM_001363185.1); c.10354A>C, p.Asn3452His (NM_052900.3); c.10741A>C, p.Asn3581His (NM_198124.2); short protein forms N3421H, N3452H, N3581H, N3621H.
Identifiers: ClinVar variation 3060958 (VCV003060958.2), dbSNP rs1592624, ClinGen allele CA4848234.